The following is an entry in ClinVar:

ClinVar aggregate classification (germline): Conflicting classifications of pathogenicity. Review status: criteria provided, conflicting classifications (1 of 4 stars). 4 submissions from 4 submitters: Uncertain significance (2); Likely benign (1). 1 of the submissions does not count toward it. Last evaluated 2025-11-04.

Conditions:
DNAH8-related disorder. Also called: DNAH8-related condition.
Primary ciliary dyskinesia. Also called: Ciliary dyskinesia. Identifiers: Orphanet 244, MedGen C0008780, MONDO:0016575, HP:0012265.

Allele frequency attached by ClinVar (database versions not stated): ESP Exome Variant Server 0.00015; TOPMed 0.00019; gnomAD exomes 0.00021 and 0.00032; gnomAD 0.00022 and 0.00023; ExAC 0.00027.
gnomAD v4.1: 354 of 1,611,270 alleles (0.022%); highest among the groups gnomAD compares: Middle Eastern, 0.34%; 1 homozygote.

Submissions (4):

Labcorp Genetics (formerly Invitae), Labcorp
Classification: Likely benign for Primary ciliary dyskinesia. Last evaluated: 2025-11-04. Review status: criteria provided, single submitter. Criteria: Invitae Variant Classification Sherloc (09022015). Collection method: clinical testing. Allele origin: germline.

Ambry Genetics
Classification: Uncertain significance. Last evaluated: 2025-02-19. Review status: criteria provided, single submitter. Criteria: Ambry Variant Classification Scheme 2023. Collection method: clinical testing. Allele origin: germline.

CeGaT Center for Human Genetics Tuebingen
Classification: Uncertain significance. Last evaluated: 2020-09-01. Review status: criteria provided, single submitter. Criteria: CeGaT Center For Human Genetics Tuebingen Variant Classification Criteria Version 2. Collection method: clinical testing. Allele origin: germline. Affected: yes. Observed: 1 variant allele.

PreventionGenetics, part of Exact Sciences
Classification: Likely benign for DNAH8-related condition. Last evaluated: 2023-05-30. Review status: no assertion criteria provided. Collection method: clinical testing. Allele origin: germline. Not counted in ClinVar's aggregate classification.
Comment: This variant is classified as likely benign based on ACMG/AMP sequence variant interpretation guidelines (Richards et al. 2015 PMID: 25741868, with internal and published modifications).

NM_001206927.2(DNAH8):c.9277A>G (p.Ile3093Val)

Gene: DNAH8 (dynein axonemal heavy chain 8; plus strand). Cytogenetic location: 6p21.2.
Variant type: single nucleotide variant.
Coding change: c.9277A>G on transcript NM_001206927.2 (MANE Select); coding-DNA position 9277, A replaced by G.
Protein change: p.Ile3093Val; replaces isoleucine 3093 with valine.
Molecular consequence: missense variant.
Genome position (GRCh38, 1-based): chr6:38,906,336, A>G. VCF-style: chr6-38906336-A-G. GRCh37 (hg19) VCF-style: chr6-38874112-A-G.
Other names: c.8626A>G, p.Ile2876Val (NM_001371.4); short protein forms I3093V, I2876V.
Identifiers: ClinVar variation 525254 (VCV000525254.53), dbSNP rs139533720, ClinGen allele CA3790442.